The following is an entry in ClinVar:

ClinVar aggregate classification (germline): Uncertain significance. Review status: criteria provided, multiple submitters, no conflicts (2 of 4 stars). 2 submissions from 2 submitters: Uncertain significance (2). Last evaluated 2025-10-29.

Conditions:
Inborn genetic diseases. Identifiers: MedGen C0950123, MeSH D030342.

gnomAD v4.1: 19 of 1,613,434 alleles (0.0012%); highest among the groups gnomAD compares: Admixed American, 0.012%; no homozygotes.

Submissions (2):

Ambry Genetics
Classification: Uncertain significance for Inborn genetic diseases. Last evaluated: 2025-10-29. Review status: criteria provided, single submitter. Criteria: Ambry Variant Classification Scheme 2023. Collection method: clinical testing. Allele origin: germline.
Comment: The c.1655C>A (p.T552N) alteration is located in exon 9 (coding exon 8) of the FASTKD2 gene. This alteration results from a C to A substitution at nucleotide position 1655, causing the threonine (T) at amino acid position 552 to be replaced by an asparagine (N). Based on data from gnomAD, the A allele has an overall frequency of 0.003% (7/282578) total alleles studied. The highest observed frequency was 0.014% (1/7212) of Other alleles. Based on insufficient or conflicting evidence, the clinical significance of this alteration remains unclear.

GeneDx
Classification: Uncertain significance. Last evaluated: 2025-04-30. Review status: criteria provided, single submitter. Criteria: GeneDx Variant Classification Process June 2021. Collection method: clinical testing. Allele origin: germline. Affected: yes.
Comment: Not observed at significant frequency in large population cohorts (gnomAD); In silico analysis indicates that this missense variant does not alter protein structure/function; Has not been previously published as pathogenic or benign to our knowledge

NM_001136193.2(FASTKD2):c.1655C>A (p.Thr552Asn)

Gene: FASTKD2 (FAST kinase domains 2; plus strand). Cytogenetic location: 2q33.3.
Variant type: single nucleotide variant.
Coding change: c.1655C>A on transcript NM_001136193.2 (MANE Select); coding-DNA position 1655, C replaced by A.
Protein change: p.Thr552Asn; replaces threonine 552 with asparagine.
Molecular consequence: missense variant.
Genome position (GRCh38, 1-based): chr2:206,787,997, C>A. VCF-style: chr2-206787997-C-A. GRCh37 (hg19) VCF-style: chr2-207652721-C-A.
Other names: c.1655C>A, p.Thr552Asn (NM_001136194.2, NM_014929.4); short protein forms T552N.
Identifiers: ClinVar variation 4528279 (VCV004528279.2).